The following is an entry in ClinVar:

ClinVar aggregate classification (germline): Uncertain significance (1 of 4 stars; one submission).

Conditions:
Glycogen storage disease type III (GSD3). Also called: FORBES DISEASE; Cori disease. Identifiers: Orphanet 366, MedGen C0017922, MONDO:0009291, OMIM 232400.

Submission:

Labcorp Genetics (formerly Invitae), Labcorp
Classification: Uncertain significance for Glycogen storage disease type III. Last evaluated: 2024-06-24. Review status: criteria provided, single submitter. Criteria: Invitae Variant Classification Sherloc (09022015). Collection method: clinical testing. Allele origin: germline.
Comment: This sequence change replaces lysine, which is basic and polar, with threonine, which is neutral and polar, at codon 715 of the AGL protein (p.Lys715Thr). This variant is not present in population databases (gnomAD no frequency). This variant has not been reported in the literature in individuals affected with AGL-related conditions. Advanced modeling of protein sequence and biophysical properties (such as structural, functional, and spatial information, amino acid conservation, physicochemical variation, residue mobility, and thermodynamic stability) performed at Invitae indicates that this missense variant is not expected to disrupt AGL protein function with a negative predictive value of 80%. In summary, the available evidence is currently insufficient to determine the role of this variant in disease. Therefore, it has been classified as a Variant of Uncertain Significance.

NM_000642.3(AGL):c.2144A>C (p.Lys715Thr)

Gene: AGL (amylo-alpha-1,6-glucosidase and 4-alpha-glucanotransferase; plus strand). Cytogenetic location: 1p21.2.
Variant type: single nucleotide variant.
Coding change: c.2144A>C on transcript NM_000642.3 (MANE Select); coding-DNA position 2144, A replaced by C.
Protein change: p.Lys715Thr; replaces lysine 715 with threonine.
Molecular consequence: missense variant.
Genome position (GRCh38, 1-based): chr1:99,881,434, A>C. VCF-style: chr1-99881434-A-C. GRCh37 (hg19) VCF-style: chr1-100346990-A-C.
Other names: c.2144A>C, p.Lys715Thr (NM_000028.3, NM_000643.3, NM_000644.3 and 2 more transcripts); c.2096A>C, p.Lys699Thr (NM_000646.3); c.1943A>C, p.Lys648Thr (NM_001425327.1); c.1940A>C, p.Lys647Thr (NM_001425328.1, NM_001425329.1); c.1766A>C, p.Lys589Thr (NM_001425332.1); short protein forms K647T, K715T, K589T, K699T, K648T.
Identifiers: ClinVar variation 3657664 (VCV003657664.1).
Genomic context (GRCh38, chr1:99,881,434, plus strand): 5'-AAAGCGGCATTATTGCAGCCAGGTGTGCTATCAGTAAACTTCATCAGGAGCTTGGAGCCA[A>C]GGGTTTTATTCAGGCAAGAAATAATTAAATTTGTTTCTTCAGGTTCAATTTCAGAGTAAG-3'
Protein context (NP_000633.2, residues 705-725): ISKLHQELGA[Lys715Thr]GFIQVYVDQV